The following is an entry in ClinVar:

NM_006946.4(SPTBN2):c.5804G>A (p.Arg1935His)

Gene: SPTBN2 (spectrin beta, non-erythrocytic 2; minus strand). Cytogenetic location: 11q13.2.
Variant type: single nucleotide variant.
Coding change: c.5804G>A on transcript NM_006946.4 (MANE Select); coding-DNA position 5804, G replaced by A.
Protein change: p.Arg1935His; replaces arginine 1935 with histidine.
Molecular consequence: missense variant.
Genome position (GRCh38, 1-based): chr11:66,690,045, C>T on the plus strand (G>A on the coding strand, the complement: SPTBN2 is on the minus strand). VCF-style: chr11-66690045-C-T. GRCh37 (hg19) VCF-style: chr11-66457516-C-T.
Other names: short protein forms R1935H.
Identifiers: ClinVar variation 305544 (VCV000305544.13), dbSNP rs145750214, ClinGen allele CA6128158.

ClinVar aggregate classification (germline): Conflicting classifications of pathogenicity. Review status: criteria provided, conflicting classifications (1 of 4 stars). 2 submissions from 2 submitters: Uncertain significance (1); Likely benign (1). Last evaluated 2025-06-12.

Allele frequency attached by ClinVar (database versions not stated): ExAC 0.00002; gnomAD 0.00003 and 0.00004; gnomAD exomes 0.00003; TOPMed 0.00005; ESP Exome Variant Server 0.00008.
gnomAD v4.1: 60 of 1,614,130 alleles (0.0037%); highest among the groups gnomAD compares: East Asian, 0.011%; no homozygotes.

Submissions (2):

Labcorp Genetics (formerly Invitae), Labcorp
Classification: Likely benign. Last evaluated: 2025-06-12. Review status: criteria provided, single submitter. Criteria: Invitae Variant Classification Sherloc (09022015). Collection method: clinical testing. Allele origin: germline.

GeneDx
Classification: Uncertain significance. Last evaluated: 2019-07-02. Review status: criteria provided, single submitter. Criteria: GeneDx Variant Classification Process June 2021. Collection method: clinical testing. Allele origin: germline. Affected: yes.
Comment: In silico analysis, which includes protein predictors and evolutionary conservation, supports a deleterious effect; Has not been previously published as pathogenic or benign to our knowledge